The following is an entry in ClinVar:

ClinVar aggregate classification (germline): Pathogenic (1 of 4 stars; one submission).

Conditions:
Hereditary cancer-predisposing syndrome. Also called: Neoplastic Syndromes, Hereditary; Tumor predisposition; Hereditary neoplastic syndrome; Hereditary Cancer Syndrome. Identifiers: Orphanet 140162, MedGen C0027672, MeSH D009386, MONDO:0015356.

Submission:

Ambry Genetics
Classification: Pathogenic for Hereditary cancer-predisposing syndrome. Last evaluated: 2023-12-14. Review status: criteria provided, single submitter. Criteria: Ambry Variant Classification Scheme 2023. Collection method: clinical testing. Allele origin: germline.
Comment: The p.E276* pathogenic mutation (also known as c.826G>T), located in coding exon 3 of the BLM gene, results from a G to T substitution at nucleotide position 826. This changes the amino acid from a glutamic acid to a stop codon within coding exon 3. This alteration is expected to result in loss of function by premature protein truncation or nonsense-mediated mRNA decay. As such, this alteration is interpreted as a disease-causing mutation.

NM_000057.4(BLM):c.826G>T (p.Glu276Ter)

Gene: BLM (BLM RecQ like helicase; plus strand). Cytogenetic location: 15q26.1.
Variant type: single nucleotide variant.
Coding change: c.826G>T on transcript NM_000057.4 (MANE Select); coding-DNA position 826, G replaced by T.
Protein change: p.Glu276Ter; replaces glutamic acid 276 with a stop codon.
Molecular consequence: nonsense. On other transcripts: 5 prime UTR variant (1).
Genome position (GRCh38, 1-based): chr15:90,751,813, G>T. VCF-style: chr15-90751813-G-T. GRCh37 (hg19) VCF-style: chr15-91295043-G-T.
Other names: c.826G>T, p.Glu276Ter (NM_001287246.2, NM_001287247.2); c.-466G>T (NM_001287248.2); short protein forms E276*.
Identifiers: ClinVar variation 3224923 (VCV003224923.1), dbSNP rs2505399652, ClinGen allele CA393841671.